The following is an entry in ClinVar:

NM_000038.6(APC):c.5283C>T (p.Asn1761=)

Gene: APC (APC regulator of Wnt signaling pathway; plus strand). Cytogenetic location: 5q22.2.
Variant type: single nucleotide variant.
Coding change: c.5283C>T on transcript NM_000038.6 (MANE Select); coding-DNA position 5283, C replaced by T.
Protein change: p.Asn1761=; no amino-acid change (asparagine 1761 retained).
Molecular consequence: synonymous variant.
Genome position (GRCh38, 1-based): chr5:112,840,877, C>T. VCF-style: chr5-112840877-C-T. GRCh37 (hg19) VCF-style: chr5-112176574-C-T.
Other names: c.5283C>T, p.Asn1761= (NM_001127510.3, NM_001354895.2); c.5229C>T, p.Asn1743= (NM_001127511.3); c.5337C>T, p.Asn1779= (NM_001354896.2); c.5313C>T, p.Asn1771= (NM_001354897.2); c.5208C>T, p.Asn1736= (NM_001354898.2); c.5199C>T, p.Asn1733= (NM_001354899.2); c.5160C>T, p.Asn1720= (NM_001354900.2); c.5106C>T, p.Asn1702= (NM_001354901.2); and 5 more.
Identifiers: ClinVar variation 469996 (VCV000469996.18), dbSNP rs933729249, ClinGen allele CA446209683.

ClinVar aggregate classification (germline): Benign/Likely benign. Review status: criteria provided, multiple submitters, no conflicts (2 of 4 stars). 4 submissions from 4 submitters: Benign (1); Likely benign (3). Last evaluated 2025-07-21.

Conditions:
Hereditary cancer-predisposing syndrome. Also called: Hereditary neoplastic syndrome; Neoplastic Syndromes, Hereditary; Tumor predisposition; Hereditary Cancer Syndrome. Identifiers: Orphanet 140162, MedGen C0027672, MeSH D009386, MONDO:0015356.
Familial adenomatous polyposis 1 (FAP1). Also called: POLYPOSIS, ADENOMATOUS INTESTINAL; FAMILIAL ADENOMATOUS POLYPOSIS 1, ATTENUATED. Identifiers: MedGen C2713442, MONDO:0021056, OMIM 175100. Disease mechanism: loss of function.

gnomAD v4.1: 1 of 1,613,918 alleles (0.000062%); highest among the groups gnomAD compares: East Asian, 0.0022%; no homozygotes.

Submissions (4):

Labcorp Genetics (formerly Invitae), Labcorp
Classification: Likely benign for Familial adenomatous polyposis 1. Last evaluated: 2025-07-21. Review status: criteria provided, single submitter. Criteria: Invitae Variant Classification Sherloc (09022015). Collection method: clinical testing. Allele origin: germline.

Myriad Genetics, Inc.
Classification: Benign for Familial adenomatous polyposis 1. Last evaluated: 2024-04-01. Review status: criteria provided, single submitter. Criteria: Myriad Autosomal Dominant, Autosomal Recessive and X-Linked Classification Criteria (2023). Collection method: clinical testing. Allele origin: unknown.
Comment: This variant is considered benign. This variant is a silent/synonymous amino acid change and it is not expected to impact splicing.

Ambry Genetics
Classification: Likely benign for Hereditary cancer-predisposing syndrome. Last evaluated: 2020-03-16. Review status: criteria provided, single submitter. Criteria: Ambry Variant Classification Scheme 2023. Collection method: clinical testing. Allele origin: germline.

Color Diagnostics, LLC DBA Color Health
Classification: Likely benign for Hereditary cancer-predisposing syndrome. Last evaluated: 2017-09-28. Review status: criteria provided, single submitter. Criteria: ACMG Guidelines, 2015. Collection method: clinical testing. Allele origin: germline.